The following is an entry in ClinVar:

ClinVar aggregate classification (germline): Uncertain significance (1 of 4 stars; one submission).

Allele frequency attached by ClinVar (database versions not stated): gnomAD exomes below 0.00001.
gnomAD v4.1: 1 of 1,610,792 alleles (0.000062%); highest among the groups gnomAD compares: Non-Finnish European, 0.000085%; no homozygotes.

Submission:

Labcorp Genetics (formerly Invitae), Labcorp
Classification: Uncertain significance. Last evaluated: 2021-12-20. Review status: criteria provided, single submitter. Criteria: Invitae Variant Classification Sherloc (09022015). Collection method: clinical testing. Allele origin: germline.
Comment: Algorithms developed to predict the effect of missense changes on protein structure and function are either unavailable or do not agree on the potential impact of this missense change (SIFT: "Deleterious"; PolyPhen-2: "Probably Damaging"; Align-GVGD: "Class C0"). In summary, the available evidence is currently insufficient to determine the role of this variant in disease. Therefore, it has been classified as a Variant of Uncertain Significance. This variant has not been reported in the literature in individuals affected with FGFRL1-related conditions. This sequence change replaces threonine, which is neutral and polar, with alanine, which is neutral and non-polar, at codon 102 of the FGFRL1 protein (p.Thr102Ala). This variant is not present in population databases (gnomAD no frequency).

NM_001004356.3(FGFRL1):c.304A>G (p.Thr102Ala)

Gene: FGFRL1 (fibroblast growth factor receptor like 1; plus strand). Cytogenetic location: 4p16.3.
Variant type: single nucleotide variant.
Coding change: c.304A>G on transcript NM_001004356.3 (MANE Select); coding-DNA position 304, A replaced by G.
Protein change: p.Thr102Ala; replaces threonine 102 with alanine.
Molecular consequence: missense variant.
Genome position (GRCh38, 1-based): chr4:1,022,427, A>G. VCF-style: chr4-1022427-A-G. GRCh37 (hg19) VCF-style: chr4-1016215-A-G.
Other names: c.304A>G, p.Thr102Ala (NM_001004358.1, NM_001370296.1, NM_021923.3); short protein forms T102A.
Identifiers: ClinVar variation 2043815 (VCV002043815.4), dbSNP rs1716240836, ClinGen allele CA355929311.
Genomic context (GRCh38, chr4:1,022,427, plus strand): 5'-CAGGGGCTGAAGGTGAAGCAGGTGGAGCGGGAGGATGCCGGCGTGTACGTGTGCAAGGCC[A>G]CCAACGGCTTCGGCAGCCTGAGCGTCAACTACACCCTCGTCGTGCTGGGTTAGTCGCTGC-3'
Protein context (NP_001004356.1, residues 92-112): EDAGVYVCKA[Thr102Ala]NGFGSLSVNY